The following is an entry in ClinVar:

NM_003031.4(SIAH1):c.140_141del (p.Tyr47fs)

Genes: LONP2 (lon peptidase 2, peroxisomal; plus strand), SIAH1 (siah E3 ubiquitin protein ligase 1; minus strand). Cytogenetic location: 16q12.1.
Variant type: Deletion.
Coding change: c.140_141del on transcript NM_003031.4 (MANE Select); coding-DNA positions 140 to 141, 2 bases deleted (AT; older notation c.140_141delAT).
Protein change: p.Tyr47fs; shifts the reading frame from tyrosine 47.
Molecular consequence: frameshift variant. On other transcripts: 3 prime UTR variant (1).
Genome position (GRCh38, 1-based): chr16:48,362,288-48,362,289, AT deleted on the plus strand (AT on the coding strand, the reverse complement: SIAH1 is on the minus strand); deleting any 2 consecutive bases within chr16:48,362,288-48,362,290 gives the same sequence; the c. name uses the placement nearest the transcript's 3' end. VCF-style (leftmost placement, unchanged base first): chr16-48362287-CAT-C. GRCh37 (hg19) VCF-style: chr16-48396198-CAT-C.
Other names: c.*693_*694del (NM_001348078.2); c.233_234del, p.Tyr78fs (NM_001006610.2); short protein forms Y47fs, Y78fs.
Identifiers: ClinVar variation 3350839 (VCV003350839.2).
Genomic context (GRCh38, chr16:48,362,287, plus strand): 5'-TTGGGCGACAGTTGCTACAAACAAGATGGCCACTCTGACATTGAAGAATGGGCGGTAACA[CAT>C]AGTCAAAGCAGACTGGACACTCAAAAAGACTCGCCAAGTCATTGTTGGATGCAGTTGTGC-3'

ClinVar aggregate classification (germline): Pathogenic (1 of 4 stars; one submission).

Conditions:
SIAH1-related condition.

Submission:

PreventionGenetics, part of Exact Sciences
Classification: Pathogenic for SIAH1-related condition. Last evaluated: 2025-09-23. Review status: criteria provided, single submitter. Criteria: ACMG Guidelines, 2015. Collection method: clinical testing. Allele origin: germline.
Comment: The SIAH1 c.233_234delAT variant is predicted to result in a frameshift and premature protein termination (p.Tyr78Cysfs*16). To our knowledge, this variant has not been reported in the literature or in a large population database (gnomAD), indicating this variant is rare. Frameshift variants in SIAH1 are expected to be pathogenic. This variant is interpreted as pathogenic.